The following is an entry in ClinVar:

NM_020778.5(ALPK3):c.3595A>T (p.Ser1199Cys)

Gene: ALPK3 (alpha kinase 3; plus strand). Cytogenetic location: 15q25.3.
Variant type: single nucleotide variant.
Coding change: c.3595A>T on transcript NM_020778.5 (MANE Select); coding-DNA position 3595, A replaced by T.
Protein change: p.Ser1199Cys; replaces serine 1199 with cysteine.
Molecular consequence: missense variant.
Genome position (GRCh38, 1-based): chr15:84,858,333, A>T. VCF-style: chr15-84858333-A-T. GRCh37 (hg19) VCF-style: chr15-85401564-A-T.
Other names: short protein forms S1199C.
Identifiers: ClinVar variation 2015884 (VCV002015884.4), dbSNP rs2505722359, ClinGen allele CA393360581.
Genomic context (GRCh38, chr15:84,858,333, plus strand): 5'-GAGGCAACCACACCTGAAGAAAGGGAGAGCCCCACGGTTTCCCCCCGGGGGCCCAGGAAA[A>T]GCCTGGTGCCTGGGTCCCCAGGGACTCCAGGGCGGGAGAGACGCTCCCCTACGCAGGGCA-3'
Protein context (NP_065829.4, residues 1189-1209): PTVSPRGPRK[Ser1199Cys]LVPGSPGTPG

ClinVar aggregate classification (germline): Uncertain significance (1 of 4 stars; one submission).

Submission:

Labcorp Genetics (formerly Invitae), Labcorp
Classification: Uncertain significance. Last evaluated: 2024-09-12. Review status: criteria provided, single submitter. Criteria: Invitae Variant Classification Sherloc (09022015). Collection method: clinical testing. Allele origin: germline.
Comment: This sequence change replaces serine, which is neutral and polar, with cysteine, which is neutral and slightly polar, at codon 1401 of the ALPK3 protein (p.Ser1401Cys). This variant is not present in population databases (gnomAD no frequency). This variant has not been reported in the literature in individuals affected with ALPK3-related conditions. ClinVar contains an entry for this variant (Variation ID: 2015884). An algorithm developed to predict the effect of missense changes on protein structure and function (PolyPhen-2) suggests that this variant is likely to be disruptive. In summary, the available evidence is currently insufficient to determine the role of this variant in disease. Therefore, it has been classified as a Variant of Uncertain Significance.